The following is an entry in ClinVar:

NM_018676.4(THSD1):c.1389G>A (p.Ser463=)

Gene: THSD1 (thrombospondin type 1 domain containing 1; minus strand). Cytogenetic location: 13q14.3.
Variant type: single nucleotide variant.
Coding change: c.1389G>A on transcript NM_018676.4 (MANE Select); coding-DNA position 1389, G replaced by A.
Protein change: p.Ser463=; no amino-acid change (serine 463 retained).
Molecular consequence: synonymous variant.
Genome position (GRCh38, 1-based): chr13:52,378,581, C>T on the plus strand (G>A on the coding strand, the complement: THSD1 is on the minus strand). VCF-style: chr13-52378581-C-T. GRCh37 (hg19) VCF-style: chr13-52952716-C-T.
Other names: c.1230G>A, p.Ser410= (NM_199263.3).
Identifiers: ClinVar variation 3051018 (VCV003051018.2), dbSNP rs1025865728, ClinGen allele CA250088353.

ClinVar aggregate classification (germline): Likely benign (0 of 4 stars; one submission).

Conditions:
THSD1-related disorder. Also called: THSD1-related condition.

Allele frequency attached by ClinVar (database versions not stated): gnomAD 0.00001; gnomAD exomes 0.00001; TOPMed 0.00003.
gnomAD v4.1: 12 of 1,614,038 alleles (0.00074%); highest among the groups gnomAD compares: South Asian, 0.0011%; no homozygotes.

Submission:

PreventionGenetics, part of Exact Sciences
Classification: Likely benign for THSD1-related condition. Last evaluated: 2022-10-10. Review status: no assertion criteria provided. Collection method: clinical testing. Allele origin: germline.
Comment: This variant is classified as likely benign based on ACMG/AMP sequence variant interpretation guidelines (Richards et al. 2015 PMID: 25741868, with internal and published modifications).